The following is an entry in ClinVar:

ClinVar aggregate classification (germline): Pathogenic (1 of 4 stars; one submission).

Submission:

GeneDx
Classification: Pathogenic. Last evaluated: 2017-02-24. Review status: criteria provided, single submitter. Criteria: GeneDx Variant Classification (06012015). Collection method: clinical testing. Allele origin: germline. Affected: yes.
Comment: The Q1084X variant in the IQSEC2 gene has not been reported previously as a pathogenic variant nor as a benign variant, to our knowledge. This variant is predicted to cause loss of normal protein function either through protein truncation or nonsense-mediated mRNA decay. The Q1084X variant is not observed in large population cohorts (Lek et al., 2016; 1000 Genomes Consortium et al., 2015; Exome Variant Server). We interpret Q1084X as a pathogenic variant.

NM_001111125.3(IQSEC2):c.3250C>T (p.Gln1084Ter)

Gene: IQSEC2 (IQ motif and Sec7 domain ArfGEF 2; minus strand). Cytogenetic location: Xp11.22.
Variant type: single nucleotide variant.
Coding change: c.3250C>T on transcript NM_001111125.3 (MANE Select); coding-DNA position 3250, C replaced by T.
Protein change: p.Gln1084Ter; replaces glutamine 1084 with a stop codon.
Molecular consequence: nonsense.
Genome position (GRCh38, 1-based): chrX:53,238,172, G>A on the plus strand (C>T on the coding strand, the complement: IQSEC2 is on the minus strand). VCF-style: chrX-53238172-G-A. GRCh37 (hg19) VCF-style: chrX-53267354-G-A.
Other names: c.2635C>T, p.Gln879Ter (NM_015075.2); short protein forms Q1084*, Q879*.
Identifiers: ClinVar variation 423760 (VCV000423760.2), dbSNP rs1064796614, ClinGen allele CA16621443.